The following is an entry in ClinVar:

NM_000552.5(VWF):c.793_816dup (p.Ala272_Arg273insCysProAlaLeuLeuGluTyrAla)

Gene: VWF (von Willebrand factor; minus strand). Cytogenetic location: 12p13.31.
Variant type: Duplication.
Coding change: c.793_816dup on transcript NM_000552.5 (MANE Select); coding-DNA positions 793 to 816, 24 bases duplicated (TGCCCTGCCCTCCTGGAGTACGCC).
Protein change: p.Ala272_Arg273insCysProAlaLeuLeuGluTyrAla.
Genome position (GRCh38, 1-based): chr12:6,075,393-6,075,416, GGCGTACTCCAGGAGGGCAGGGCA duplicated on the plus strand (TGCCCTGCCCTCCTGGAGTACGCC on the coding strand, the reverse complement: VWF is on the minus strand); duplicating any 24 consecutive bases within chr12:6,075,393-6,075,420 gives the same sequence; the c. name uses the placement nearest the transcript's 3' end. VCF-style (leftmost placement, unchanged base first): chr12-6075392-G-GGGCGTACTCCAGGAGGGCAGGGCA. GRCh37 (hg19) VCF-style: chr12-6184558-G-GGGCGTACTCCAGGAGGGCAGGGCA.
Identifiers: ClinVar variation 3572185 (VCV003572185.1).
Genomic context (GRCh38, chr12:6,075,392, plus strand): 5'-TACTGCACGCGCTGTGGTCGGTCCAGCCGTACAGCACCATTCCCTCCTGGGCACAGGTCC[G>GGGCGTACTCCAGGAGGGCAGGGCA]GGCGTACTCCAGGAGGGCAGGGCAGGCGCACTCCAGCCCCCCAGCACACTCACACAAAGT-3'

ClinVar aggregate classification (germline): Uncertain significance (1 of 4 stars; one submission).

Submission:

Quest Diagnostics Nichols Institute San Juan Capistrano
Classification: Uncertain significance. Last evaluated: 2024-03-19. Review status: criteria provided, single submitter. Criteria: Quest Diagnostics criteria. Collection method: clinical testing. Allele origin: unknown.
Comment: The VWF c.793_816dup (p.Cys265_Ala272dup) variant has not been reported in individuals with VWF-related conditions in the published literature. The frequency of this variant in the general population, 0.000008 (2/251078 chromosomes (Genome Aggregation Database)), is uninformative in the assessment of its pathogenicity. Based on the available information, we are unable to determine the clinical significance of this variant.